The following is an entry in ClinVar:

NM_007254.4(PNKP):c.332C>T (p.Thr111Ile)

Gene: PNKP (polynucleotide kinase 3'-phosphatase; minus strand). Cytogenetic location: 19q13.33.
Variant type: single nucleotide variant.
Coding change: c.332C>T on transcript NM_007254.4 (MANE Select); coding-DNA position 332, C replaced by T.
Protein change: p.Thr111Ile; replaces threonine 111 with isoleucine.
Molecular consequence: missense variant.
Genome position (GRCh38, 1-based): chr19:49,865,293, G>A on the plus strand (C>T on the coding strand, the complement: PNKP is on the minus strand). VCF-style: chr19-49865293-G-A. GRCh37 (hg19) VCF-style: chr19-50368550-G-A.
Other names: short protein forms T111I.
Identifiers: ClinVar variation 1505704 (VCV001505704.3), dbSNP rs756223253, ClinGen allele CA9586970.

ClinVar aggregate classification (germline): Uncertain significance (1 of 4 stars; one submission).

Conditions:
Developmental and epileptic encephalopathy, 12 (DEE12). Identifiers: MedGen C3150988, MONDO:0013389, OMIM 613722.

Allele frequency attached by ClinVar (database versions not stated): gnomAD exomes below 0.00001; ExAC 0.00001.
gnomAD v4.1: 2 of 1,614,248 alleles (0.00012%); highest among the groups gnomAD compares: Admixed American, 0.0017%; no homozygotes.

Submission:

Labcorp Genetics (formerly Invitae), Labcorp
Classification: Uncertain significance for Developmental and epileptic encephalopathy, 12. Last evaluated: 2022-06-14. Review status: criteria provided, single submitter. Criteria: Invitae Variant Classification Sherloc (09022015). Collection method: clinical testing. Allele origin: germline.
Comment: This sequence change replaces threonine, which is neutral and polar, with isoleucine, which is neutral and non-polar, at codon 111 of the PNKP protein (p.Thr111Ile). This variant is present in population databases (rs756223253, gnomAD 0.003%). This variant has not been reported in the literature in individuals affected with PNKP-related conditions. Algorithms developed to predict the effect of missense changes on protein structure and function are either unavailable or do not agree on the potential impact of this missense change (SIFT: "Deleterious"; PolyPhen-2: "Benign"; Align-GVGD: "Class C0"). In summary, the available evidence is currently insufficient to determine the role of this variant in disease. Therefore, it has been classified as a Variant of Uncertain Significance.